The following is an entry in ClinVar:

NM_000089.4(COL1A2):c.4060C>T (p.Gln1354Ter)

Gene: COL1A2 (collagen type I alpha 2 chain; plus strand). Cytogenetic location: 7q21.3.
Variant type: single nucleotide variant.
Coding change: c.4060C>T on transcript NM_000089.4 (MANE Select); coding-DNA position 4060, C replaced by T.
Protein change: p.Gln1354Ter; replaces glutamine 1354 with a stop codon.
Molecular consequence: nonsense.
Genome position (GRCh38, 1-based): chr7:94,430,352, C>T. VCF-style: chr7-94430352-C-T. GRCh37 (hg19) VCF-style: chr7-94059664-C-T.
Other names: short protein forms Q1354*.
Identifiers: ClinVar variation 1708392 (VCV001708392.4), dbSNP rs2484743799, ClinGen allele CA368227358.

ClinVar aggregate classification (germline): Pathogenic/Likely pathogenic. Review status: criteria provided, multiple submitters, no conflicts (2 of 4 stars). 2 submissions from 2 submitters: Pathogenic (1); Likely pathogenic (1). Last evaluated 2024-08-29.

Conditions:
Ehlers-Danlos syndrome, classic type, 1 (EDSCL1). Also called: EDS I; Ehlers-Danlos syndrome, type 1; EHLERS-DANLOS SYNDROME, GRAVIS TYPE; EHLERS-DANLOS SYNDROME, SEVERE CLASSIC TYPE; Ehlers-Danlos Syndrome, Classic Type, COL5A1-Related. Identifiers: MedGen C0268335, MONDO:0019567, OMIM 130000.
Osteogenesis imperfecta type I (OI1). Also called: Osteogenesis imperfecta type 1; Lobstein's Disease; OI, TYPE I; OSTEOGENESIS IMPERFECTA TARDA; OSTEOGENESIS IMPERFECTA WITH BLUE SCLERAE; Lobstein disease. Identifiers: Orphanet 216796, Orphanet 666, MedGen C0023931, MONDO:0008146, OMIM 166200. Disease mechanism: loss of function.

Submissions (2):

Labcorp Genetics (formerly Invitae), Labcorp
Classification: Pathogenic for Osteogenesis imperfecta type I; Ehlers-Danlos syndrome, classic type, 1. Last evaluated: 2024-08-29. Review status: criteria provided, single submitter. Criteria: Invitae Variant Classification Sherloc (09022015). Collection method: clinical testing. Allele origin: germline.
Comment: This sequence change creates a premature translational stop signal (p.Gln1354*) in the COL1A2 gene. While this is not anticipated to result in nonsense mediated decay, it is expected to disrupt the last 13 amino acid(s) of the COL1A2 protein. This variant is not present in population databases (gnomAD no frequency). This premature translational stop signal has been observed in individual(s) with osteogenesis imperfecta (PMID: 24140640). ClinVar contains an entry for this variant (Variation ID: 1708392). This variant disrupts a region of the COL1A2 protein in which other variant(s) (p.Glu1355*) have been determined to be pathogenic (internal data). This suggests that this is a clinically significant region of the protein, and that variants that disrupt it are likely to be disease-causing. For these reasons, this variant has been classified as Pathogenic.

Centre of Medical Genetics, University Hospital Muenster
Classification: Likely pathogenic. Last evaluated: 2022-05-16. Review status: criteria provided, single submitter. Criteria: ACMG Guidelines, 2015. Collection method: clinical testing. Allele origin: unknown. Affected: yes. Observed: 1 variant allele, 1 heterozygote.
Comment: ACMG categories: PM2,PM4,PP1,PP3,PP4

Literature cited by the submitters: PubMed 24140640 (cited by Labcorp Genetics (formerly Invitae), Labcorp and Centre of Medical Genetics, University Hospital Muenster).